The following is an entry in ClinVar:

ClinVar aggregate classification (germline): Likely benign. Review status: criteria provided, single submitter (1 of 4 stars). 2 submissions from 2 submitters: Likely benign (1). 1 of the submissions does not count toward it. Last evaluated 2025-12-05.

Conditions:
PKD1L1-related disorder. Also called: PKD1L1-related condition.

Allele frequency attached by ClinVar (database versions not stated): TOPMed 0.00010; gnomAD exomes 0.00007; ExAC 0.00016; gnomAD 0.00005.
gnomAD v4.1: 53 of 1,613,860 alleles (0.0033%); highest among the groups gnomAD compares: Admixed American, 0.085%; no homozygotes.

Submissions (2):

Labcorp Genetics (formerly Invitae), Labcorp
Classification: Likely benign. Last evaluated: 2025-12-05. Review status: criteria provided, single submitter. Criteria: Invitae Variant Classification Sherloc (09022015). Collection method: clinical testing. Allele origin: germline.

PreventionGenetics, part of Exact Sciences
Classification: Likely benign for PKD1L1-related condition. Last evaluated: 2022-09-14. Review status: no assertion criteria provided. Collection method: clinical testing. Allele origin: germline. Not counted in ClinVar's aggregate classification.
Comment: This variant is classified as likely benign based on ACMG/AMP sequence variant interpretation guidelines (Richards et al. 2015 PMID: 25741868, with internal and published modifications).

NM_138295.5(PKD1L1):c.3318C>T (p.Ser1106=)

Gene: PKD1L1 (polycystin 1 like 1, transient receptor potential channel interacting; minus strand). Cytogenetic location: 7p12.3.
Variant type: single nucleotide variant.
Coding change: c.3318C>T on transcript NM_138295.5 (MANE Select); coding-DNA position 3318, C replaced by T.
Protein change: p.Ser1106=; no amino-acid change (serine 1106 retained).
Molecular consequence: synonymous variant.
Genome position (GRCh38, 1-based): chr7:47,882,033, G>A on the plus strand (C>T on the coding strand, the complement: PKD1L1 is on the minus strand). VCF-style: chr7-47882033-G-A. GRCh37 (hg19) VCF-style: chr7-47921631-G-A.
Other names: c.3318C>T (NM_138295.3).
Identifiers: ClinVar variation 2742458 (VCV002742458.5), dbSNP rs750934269, ClinGen allele CA4253458.